The following is an entry in ClinVar:

ClinVar aggregate classification (germline): Uncertain significance. Review status: criteria provided, multiple submitters, no conflicts (2 of 4 stars). 5 submissions from 5 submitters: Uncertain significance (5). Last evaluated 2026-01-16.

Conditions:
Cardiovascular phenotype. Identifiers: MedGen CN230736.
Myofibrillar myopathy 4. Also called: Zaspopathy (type). Identifiers: Orphanet 98912, MedGen C4721886, MONDO:0012277, OMIM 609452.
Dilated cardiomyopathy 1C (CMD1C). Also called: CARDIOMYOPATHY, DILATED, 1C, WITH OR WITHOUT LEFT VENTRICULAR NONCOMPACTION; Cardiomyopathy, dilated, 1C, with or without LVNC. Identifiers: Orphanet 154, Orphanet 54260, MedGen C1832244, MONDO:0011094, OMIM 601493.

Allele frequency attached by ClinVar (database versions not stated): ExAC 0.00008; 1000 Genomes Project 0.00020; 1000 Genomes Project 30x 0.00031; gnomAD exomes 0.00010; ESP Exome Variant Server 0.00015; gnomAD 0.00001 and 0.00003; TOPMed 0.00003.
gnomAD v4.1: 110 of 1,613,062 alleles (0.0068%); highest among the groups gnomAD compares: East Asian, 0.025%; no homozygotes.

Submissions (5):

Labcorp Genetics (formerly Invitae), Labcorp
Classification: Uncertain significance for Myofibrillar myopathy 4. Last evaluated: 2026-01-16. Review status: criteria provided, single submitter. Criteria: Invitae Variant Classification Sherloc (09022015). Collection method: clinical testing. Allele origin: germline.
Comment: The LDB3 gene has multiple clinically relevant transcripts. This variant occurs in alternate transcript NM_007078.3, and corresponds to NM_001080116.1:c.*7215G>A in the primary transcript. This sequence change replaces alanine, which is neutral and non-polar, with threonine, which is neutral and polar, at codon 319 of the LDB3 protein (p.Ala319Thr). This variant is present in population databases (rs151219713, gnomAD 0.05%). This missense change has been observed in individual(s) with dilated cardiomyopathy (PMID: 31983221). ClinVar contains an entry for this variant (Variation ID: 201844). Experimental studies and prediction algorithms are not available or were not evaluated, and the functional significance of this variant is currently unknown. In summary, the available evidence is currently insufficient to determine the role of this variant in disease. Therefore, it has been classified as a Variant of Uncertain Significance.

Ambry Genetics
Classification: Uncertain significance for Cardiovascular phenotype. Last evaluated: 2022-12-19. Review status: criteria provided, single submitter. Criteria: Ambry Variant Classification Scheme 2023. Collection method: clinical testing. Allele origin: germline.
Comment: The p.A319T variant (also known as c.955G>A), located in coding exon 7 of the LDB3 gene, results from a G to A substitution at nucleotide position 955. The alanine at codon 319 is replaced by threonine, an amino acid with similar properties. This variant has been detected in a sudden cardiac death case and in individuals reported to have dilated cardiomyopathy (DCM) or who were included in DCM cohorts; however, clinical details were limited and additional variants in cardiac-related genes were also detected (Mazzarotto F et al. Circulation, 2020 Feb;141:387-398; Suktitipat B et al. PLoS One, 2017 Jul;12:e0180056; VanDyke RE et al. J Genet Couns, 2021 Apr;30:503-512). This amino acid position is highly conserved in available vertebrate species. In addition, this alteration is predicted to be tolerated by in silico analysis. Since supporting evidence is limited at this time, the clinical significance of this alteration remains unclear.

Fulgent Genetics
Classification: Uncertain significance for Dilated cardiomyopathy 1C; Myofibrillar myopathy 4. Last evaluated: 2021-10-12. Review status: criteria provided, single submitter. Criteria: ACMG Guidelines, 2015. Collection method: clinical testing. Allele origin: unknown.

GeneDx
Classification: Uncertain significance. Last evaluated: 2012-09-04. Review status: criteria provided, single submitter. Criteria: GeneDx Variant Classification (06012015). Collection method: clinical testing. Allele origin: germline. Affected: yes.
Comment: p.Ala319Thr (GCT>ACT): c.955 G>A in exon 7 of the LDB3 gene (NM_007078.2). The Ala319Thr variant in the LDB3 gene has not been reported as a disease-causing mutation or as a benign polymorphism to our knowledge. Ala319Thr results in a non-conservative amino acid substitution of non-polar Alanine residue with a polar Threonine residue at a position that is conserved until rat. However, no mutations have been reported in this region of the LDB3 gene, indicating this region of the protein may be tolerant of change. With the clinical and molecular information available at this time, we cannot definitively determine if Ala319Thr is a disease-causing mutation or a rare benign variant. The variant is found in DCM panel(s).

Breakthrough Genomics
Classification: Uncertain significance. Review status: criteria provided, single submitter. Criteria: ACMG Guidelines, 2015. Collection method: not provided. Allele origin: germline. Inheritance: Autosomal dominant inheritance. Affected: yes.

Literature cited by the submitters: PubMed 31983221 (cited by Labcorp Genetics (formerly Invitae), Labcorp and Ambry Genetics); PubMed 28704380 (cited by Ambry Genetics); PubMed 33029862 (cited by Ambry Genetics).

NM_007078.3(LDB3):c.955G>A (p.Ala319Thr)

Gene: LDB3 (LIM domain binding 3; plus strand). Cytogenetic location: 10q23.2.
Variant type: single nucleotide variant.
Coding change: c.955G>A on transcript NM_007078.3 (MANE Select); coding-DNA position 955, G replaced by A.
Protein change: p.Ala319Thr; replaces alanine 319 with threonine.
Molecular consequence: missense variant. On other transcripts: intron variant (4), genic downstream transcript variant (1).
Genome position (GRCh38, 1-based): chr10:86,706,589, G>A. VCF-style: chr10-86706589-G-A. GRCh37 (hg19) VCF-style: chr10-88466346-G-A.
Other names: p.A319T:GCT>ACT; c.955G>A (LRG_385t1); c.*7215G>A (LRG_385t2, NM_001080116.1); c.814G>A, p.Ala272Thr (NM_001368066.1); c.897-3316G>A (NM_001368064.1, NM_001368065.1); c.1101-3316G>A (NM_001171610.2); c.756-3316G>A (NM_001080114.2); short protein forms A319T, A272T.
Identifiers: ClinVar variation 201844 (VCV000201844.19), dbSNP rs151219713, ClinGen allele CA308618.